The following is an entry in ClinVar:

ClinVar aggregate classification (germline): Uncertain significance (1 of 4 stars; one submission).

Conditions:
Hereditary cancer-predisposing syndrome. Also called: Neoplastic Syndromes, Hereditary; Tumor predisposition; Hereditary Cancer Syndrome; Hereditary neoplastic syndrome. Identifiers: Orphanet 140162, MedGen C0027672, MeSH D009386, MONDO:0015356.

Submission:

Ambry Genetics
Classification: Uncertain significance for Hereditary cancer-predisposing syndrome. Last evaluated: 2022-10-27. Review status: criteria provided, single submitter. Criteria: Ambry Variant Classification Scheme 2023. Collection method: clinical testing. Allele origin: germline.
Comment: The p.T272I variant (also known as c.815C>T), located in coding exon 7 of the MRE11A gene, results from a C to T substitution at nucleotide position 815. The threonine at codon 272 is replaced by isoleucine, an amino acid with similar properties. This amino acid position is conserved. In addition, this alteration is predicted to be deleterious by in silico analysis. Since supporting evidence is limited at this time, the clinical significance of this alteration remains unclear.

NM_005591.4(MRE11):c.815C>T (p.Thr272Ile)

Gene: MRE11 (MRE11 double strand break repair nuclease; minus strand). Cytogenetic location: 11q21.
Variant type: single nucleotide variant.
Coding change: c.815C>T on transcript NM_005591.4 (MANE Select); coding-DNA position 815, C replaced by T.
Protein change: p.Thr272Ile; replaces threonine 272 with isoleucine.
Molecular consequence: missense variant.
Genome position (GRCh38, 1-based): chr11:94,471,604, G>A on the plus strand (C>T on the coding strand, the complement: MRE11 is on the minus strand). VCF-style: chr11-94471604-G-A. GRCh37 (hg19) VCF-style: chr11-94204770-G-A.
Other names: c.815C>T, p.Thr272Ile (NM_001330347.2, NM_005590.4); short protein forms T272I.
Identifiers: ClinVar variation 1800054 (VCV001800054.2), dbSNP rs2496494495, ClinGen allele CA382375528.
Genomic context (GRCh38, chr11:94,471,604, plus strand): 5'-AAAAATTGGCTCAAAATATATAACACTCACTTCTTTACAGCTTCTCCTGGGGAAAGAGAA[G>A]TAACCACTGAGCTTCCAGGTTGTGAGATATAAAACAGCTGTTGTTCATTTTTGGTTGGAG-3'
Protein context (NP_005582.1, residues 262-282): YISQPGSSVV[Thr272Ile]SLSPGEAVKK